The following is an entry in ClinVar:

NM_000168.6(GLI3):c.4316_4724del (p.Tyr1439fs)

Gene: GLI3 (GLI family zinc finger 3; minus strand). Cytogenetic location: 7p14.1.
Variant type: Deletion.
Coding change: c.4316_4724del on transcript NM_000168.6 (MANE Select); coding-DNA positions 4316 to 4724, 409 bases deleted.
Protein change: p.Tyr1439fs; shifts the reading frame from tyrosine 1439.
Molecular consequence: frameshift variant.
Genome position (GRCh38, 1-based): chr7:41,964,349-41,964,757, 409 bases deleted. GRCh37 (hg19): chr7:42,003,951-42,004,359.
Other names: short protein forms Y1439fs.
Identifiers: ClinVar variation 949814 (VCV000949814.8), dbSNP rs1787098071, ClinGen allele CA1139660043.

ClinVar aggregate classification (germline): Pathogenic (1 of 4 stars; one submission).

Conditions:
Pallister-Hall syndrome (PHS). Also called: HYPOTHALAMIC HAMARTOBLASTOMA, HYPOPITUITARISM, IMPERFORATE ANUS, AND POSTAXIAL POLYDACTYLY; GLI3-Related Pallister-Hall Syndrome. Identifiers: Orphanet 672, MedGen C0265220, MONDO:0007804, OMIM 146510.
Greig cephalopolysyndactyly syndrome (GCPS). Also called: POLYSYNDACTYLY WITH PECULIAR SKULL SHAPE; GLI3-Related Greig Cephalopolysyndactyly Syndrome; Greig syndrome. Identifiers: Orphanet 380, MedGen C0265306, MONDO:0008287, OMIM 175700.

Submission:

Labcorp Genetics (formerly Invitae), Labcorp
Classification: Pathogenic for Pallister-Hall syndrome; Greig cephalopolysyndactyly syndrome. Last evaluated: 2019-08-02. Review status: criteria provided, single submitter. Criteria: Invitae Variant Classification Sherloc (09022015). Collection method: clinical testing. Allele origin: germline.
Comment: For these reasons, this variant has been classified as Pathogenic. This variant disrupts the C-terminus of the GLI3 protein. Other variant(s) that disrupt this region (p. Thr1488Lysfs*23) have been determined to be pathogenic (PMID: 24736735). This suggests that variants that disrupt this region of the protein are likely to be causative of disease. This variant has not been reported in the literature in individuals with GLI3-related conditions. This variant is not present in population databases (ExAC no frequency). This sequence change results in a premature translational stop signal in the GLI3 gene (p.Tyr1439Serfs*9). While this is not anticipated to result in nonsense mediated decay, it is expected to disrupt the last 142 amino acids of the GLI3 protein.

Literature cited by the submitters: PubMed 24736735.